The following is an entry in ClinVar:

ClinVar aggregate classification (germline): Conflicting classifications of pathogenicity. Review status: criteria provided, conflicting classifications (1 of 4 stars). 10 submissions from 10 submitters: Uncertain significance (8); Likely benign (1). 1 of the submissions does not count toward it. Last evaluated 2026-06-14.

Conditions:
Fanconi anemia complementation group J. Also called: BRIP1-Related Fanconi Anemia. Identifiers: Orphanet 84, MedGen C1836860, MONDO:0012187, OMIM 609054.
Ovarian cancer. Also called: OVARIAN CANCER, SOMATIC. Identifiers: Orphanet 213500, MedGen C1140680, MONDO:0008170, OMIM 167000.
BRIP1-related disorder. Also called: BRIP1-related condition; BRIP1-related disorders. Identifiers: MedGen CN239206.
Hereditary cancer-predisposing syndrome. Also called: Neoplastic Syndromes, Hereditary; Tumor predisposition; Hereditary Cancer Syndrome; Hereditary neoplastic syndrome. Identifiers: Orphanet 140162, MedGen C0027672, MeSH D009386, MONDO:0015356.
Familial cancer of breast. Also called: hereditary breast carcinoma; Hereditary breast cancer; BREAST CANCER, FAMILIAL. Identifiers: Orphanet 227535, MedGen C0346153, MONDO:0016419, OMIM 114480. Disease mechanism: loss of function.

Allele frequency attached by ClinVar (database versions not stated): ExAC 0.00002; gnomAD exomes 0.00002; gnomAD 0.00003 and 0.00004; TOPMed 0.00003; ESP Exome Variant Server 0.00008.
gnomAD v4.1: 31 of 1,613,974 alleles (0.0019%); highest among the groups gnomAD compares: African/African-American, 0.0027%; no homozygotes.

Submissions (10):

PreventionGenetics, part of Exact Sciences
Classification: Uncertain significance for BRIP1-related condition. Last evaluated: 2026-06-14. Review status: criteria provided, single submitter. Criteria: ACMG Guidelines, 2015. Collection method: clinical testing. Allele origin: germline.
Comment: The BRIP1 c.3104G>A variant is predicted to result in the amino acid substitution p.Arg1035His. This variant was reported in individuals with colorectal, oropharyngeal, and breast cancer (Pearlman et al 2017. PubMed ID: 27978560; Chandrasekharappa et al. 2017. PubMed ID: 28678401; de Oliveira et al. 2022. PubMed ID: 35534704). This variant is reported in 0.0040% of alleles in individuals of African descent in gnomAD and is interpreted as uncertain by the majority of submissions in ClinVar (Variation ID: 128183). At this time, the clinical significance of this variant is uncertain due to the absence of conclusive functional and genetic evidence.

Labcorp Genetics (formerly Invitae), Labcorp
Classification: Uncertain significance for Familial cancer of breast; Fanconi anemia complementation group J. Last evaluated: 2026-01-07. Review status: criteria provided, single submitter. Criteria: Invitae Variant Classification Sherloc (09022015). Collection method: clinical testing. Allele origin: germline.
Comment: This sequence change replaces arginine, which is basic and polar, with histidine, which is basic and polar, at codon 1035 of the BRIP1 protein (p.Arg1035His). This variant is present in population databases (rs367816363, gnomAD 0.004%). This missense change has been observed in individual(s) with breast cancer and/or colon cancer (PMID: 27978560, 35534704). ClinVar contains an entry for this variant (Variation ID: 128183). Invitae Evidence Modeling of protein sequence and biophysical properties (such as structural, functional, and spatial information, amino acid conservation, physicochemical variation, residue mobility, and thermodynamic stability) indicates that this missense variant is not expected to disrupt BRIP1 protein function with a negative predictive value of 95%. In summary, the available evidence is currently insufficient to determine the role of this variant in disease. Therefore, it has been classified as a Variant of Uncertain Significance.

GeneDx
Classification: Uncertain significance. Last evaluated: 2025-09-16. Review status: criteria provided, single submitter. Criteria: GeneDx Variant Classification Process June 2021. Collection method: clinical testing. Allele origin: germline. Affected: yes.
Comment: Not observed at significant frequency in large population cohorts (gnomAD); In silico analysis suggests that this missense variant does not alter protein structure/function; This variant is associated with the following publications: (PMID: 28678401, 29636988, 27978560, 11301010, 36922933, 33471991, 35534704)

Quest Diagnostics Nichols Institute San Juan Capistrano
Classification: Uncertain significance. Last evaluated: 2025-08-19. Review status: criteria provided, single submitter. Criteria: Quest Diagnostics criteria. Collection method: clinical testing. Allele origin: unknown.
Comment: The BRIP1 c.3104G>A (p.Arg1035His) variant has been reported in the published literature in individuals affected with various cancers including colorectal (PMID: 27978560 (2016)), oropharyngeal (PMID: 28678401 (2017)), and breast cancer (PMID: 35534704 (2022)). This variant has also been reported in affected and reportedly unaffected individuals in a large-scale breast cancer association study (PMID: 33471991 (2021), see also LOVD). The frequency of this variant in the general population (Genome Aggregation Database) is uninformative in the assessment of its pathogenicity. Analysis of this variant using bioinformatics tools for the prediction of the effect of amino acid changes on protein structure and function yielded predictions that this variant is benign. Based on the available information, we are unable to determine the clinical significance of this variant.

Ambry Genetics
Classification: Likely benign for Hereditary cancer-predisposing syndrome. Last evaluated: 2024-08-09. Review status: criteria provided, single submitter. Criteria: Ambry Variant Classification Scheme 2023. Collection method: clinical testing. Allele origin: germline.

Color Diagnostics, LLC DBA Color Health
Classification: Uncertain significance for Hereditary cancer-predisposing syndrome. Last evaluated: 2024-07-26. Review status: criteria provided, single submitter. Criteria: ACMG Guidelines, 2015. Collection method: clinical testing. Allele origin: germline.
Comment: This missense variant replaces arginine with histidine at codon 1035 of the BRIP1 protein. Computational prediction suggests that this variant may not impact protein structure and function. To our knowledge, functional studies have not been reported for this variant. This variant has been reported in one individual with colorectal cancer (PMID: 27978560). In a large breast cancer case-control study, this variant was identified in 2/60464 cases and 1/53460 controls (OR=1.768, 95%CI 0.16 to 19.503, p-value=1; PMID: 33471991). This variant has been identified in 5/282814 chromosomes in the general population by the Genome Aggregation Database (gnomAD). The available evidence is insufficient to determine the role of this variant in disease conclusively. Therefore, this variant is classified as a Variant of Uncertain Significance.

Baylor Genetics
Classification: Uncertain significance for Familial cancer of breast. Last evaluated: 2024-03-05. Review status: criteria provided, single submitter. Criteria: ACMG Guidelines, 2015. Collection method: clinical testing. Allele origin: unknown.

Myriad Genetics, Inc.
Classification: Uncertain significance for Familial cancer of breast. Last evaluated: 2023-03-02. Review status: criteria provided, single submitter. Criteria: Myriad Autosomal Dominant, Autosomal Recessive and X-Linked Classification Criteria (2023). Collection method: clinical testing. Allele origin: unknown.
Comment: This variant is classified as a variant of uncertain significance as there is insufficient evidence to determine its impact on protein function and/or cancer risk.

Women's Health and Genetics/Laboratory Corporation of America, LabCorp
Classification: Uncertain significance. Last evaluated: 2022-08-04. Review status: criteria provided, single submitter. Criteria: LabCorp Variant Classification Summary - May 2015. Collection method: clinical testing. Allele origin: germline.
Comment: Variant summary: BRIP1 c.3104G>A (p.Arg1035His) results in a non-conservative amino acid change in the encoded protein sequence. Four of five in-silico tools predict a benign effect of the variant on protein function. The variant allele was found at a frequency of 1.6e-05 in 251452 control chromosomes. The available data on variant occurrences in the general population are insufficient to allow any conclusion about variant significance. c.3104G>A has been reported in the literature in an individual affected with Colon Cancer (Pearlman_2017). This report does not provide an unequivocal conclusion about association of the variant with Hereditary Breast and Ovarian Cancer. To our knowledge, no experimental evidence demonstrating an impact on protein function has been reported. Six ClinVar submitters (evaluation after 2014) cite the variant as uncertain significance. Based on the evidence outlined above, the variant was classified as uncertain significance.

Counsyl
Classification: Uncertain significance for Fanconi anemia complementation group J; Ovarian cancer. Last evaluated: 2017-03-27. Review status: no assertion criteria provided. Collection method: clinical testing. Allele origin: unknown. Not counted in ClinVar's aggregate classification.

Literature cited by the submitters: PubMed 27978560 (cited by 5 submitters); PubMed 35534704 (cited by Labcorp Genetics (formerly Invitae), Labcorp and Quest Diagnostics Nichols Institute San Juan Capistrano); PubMed 33471991 (cited by Quest Diagnostics Nichols Institute San Juan Capistrano); PubMed 28678401 (cited by 3 submitters); PubMed 36922933 (cited by Quest Diagnostics Nichols Institute San Juan Capistrano); PubMed 29636988 (cited by Quest Diagnostics Nichols Institute San Juan Capistrano).

NM_032043.3(BRIP1):c.3104G>A (p.Arg1035His)

Gene: BRIP1 (BRCA1 interacting DNA helicase 1; minus strand). Cytogenetic location: 17q23.2.
Variant type: single nucleotide variant.
Coding change: c.3104G>A on transcript NM_032043.3 (MANE Select); coding-DNA position 3104, G replaced by A.
Protein change: p.Arg1035His; replaces arginine 1035 with histidine.
Molecular consequence: missense variant.
Genome position (GRCh38, 1-based): chr17:61,683,942, C>T on the plus strand (G>A on the coding strand, the complement: BRIP1 is on the minus strand). VCF-style: chr17-61683942-C-T. GRCh37 (hg19) VCF-style: chr17-59761303-C-T.
Other names: p.R1035H:CGT>CAT; short protein forms R1035H.
Identifiers: ClinVar variation 128183 (VCV000128183.37), dbSNP rs367816363, ClinGen allele CA288579.